The following is an entry in ClinVar:

ClinVar aggregate classification (germline): Uncertain significance (1 of 4 stars; one submission).

Conditions:
Primary dilated cardiomyopathy (DCM). Also called: Dilated Cardiomyopathy. Identifiers: Orphanet 217604, MedGen C0007193, MeSH D002311, MONDO:0005021, HP:0001644. Inheritance: Various modes of inheritance.

gnomAD v4.1: 10 of 1,613,216 alleles (0.00062%); highest among the groups gnomAD compares: South Asian, 0.0022%; no homozygotes.

Submission:

Labcorp Genetics (formerly Invitae), Labcorp
Classification: Uncertain significance for Primary dilated cardiomyopathy. Last evaluated: 2019-10-25. Review status: criteria provided, single submitter. Criteria: Invitae Variant Classification Sherloc (09022015). Collection method: clinical testing. Allele origin: germline.
Comment: In summary, the available evidence is currently insufficient to determine the role of this variant in disease. Therefore, it has been classified as a Variant of Uncertain Significance. Algorithms developed to predict the effect of missense changes on protein structure and function (SIFT, PolyPhen-2, Align-GVGD) all suggest that this variant is likely to be disruptive, but these predictions have not been confirmed by published functional studies and their clinical significance is uncertain. This variant has not been reported in the literature in individuals with TXNRD2-related conditions. This variant is not present in population databases (ExAC no frequency). This sequence change replaces glycine with arginine at codon 375 of the TXNRD2 protein (p.Gly375Arg). The glycine residue is highly conserved and there is a moderate physicochemical difference between glycine and arginine.

NM_006440.5(TXNRD2):c.1123G>C (p.Gly375Arg)

Gene: TXNRD2 (thioredoxin reductase 2; minus strand). Cytogenetic location: 22q11.21.
Variant type: single nucleotide variant.
Coding change: c.1123G>C on transcript NM_006440.5 (MANE Select); coding-DNA position 1123, G replaced by C.
Protein change: p.Gly375Arg; replaces glycine 375 with arginine.
Molecular consequence: missense variant. On other transcripts: non-coding transcript variant (1).
Genome position (GRCh38, 1-based): chr22:19,880,681, C>G on the plus strand (G>C on the coding strand, the complement: TXNRD2 is on the minus strand). VCF-style: chr22-19880681-C-G. GRCh37 (hg19) VCF-style: chr22-19868204-C-G.
Other names: c.1120G>C, p.Gly374Arg (NM_001352300.2); c.1033G>C, p.Gly345Arg (NM_001352301.2); c.835G>C, p.Gly279Arg (NM_001352302.2); short protein forms G279R, G345R, G375R, G374R.
Identifiers: ClinVar variation 943017 (VCV000943017.8), dbSNP rs757239766, ClinGen allele CA410681992.